The following is an entry in ClinVar:

ClinVar aggregate classification (germline): Pathogenic (1 of 4 stars; one submission).

Conditions:
PRPH2-related disorder. Also called: PRPH2-related disorders; PRPH2-related condition. Identifiers: MedGen CN239395.

Submission:

Labcorp Genetics (formerly Invitae), Labcorp
Classification: Pathogenic for PRPH2-related disorder. Last evaluated: 2019-10-10. Review status: criteria provided, single submitter. Criteria: Invitae Variant Classification Sherloc (09022015). Collection method: clinical testing. Allele origin: germline.
Comment: This sequence change creates a premature translational stop signal (p.Cys150*) in the PRPH2 gene. It is expected to result in an absent or disrupted protein product. This variant is not present in population databases (ExAC no frequency). This variant has not been reported in the literature in individuals with PRPH2-related conditions. Algorithms developed to predict the effect of sequence changes on RNA splicing suggest that this variant may create or strengthen a splice site, but this prediction has not been confirmed by published transcriptional studies. Loss-of-function variants in PRPH2 are known to be pathogenic (PMID: 8111389, 8485576, 8675410, 16916875, 17504850, 25675413, 26061163, 27365499, 29555955). For these reasons, this variant has been classified as Pathogenic.

Literature cited by the submitters: PubMed 8111389; PubMed 8485576; PubMed 8675410; PubMed 16916875; PubMed 17504850; PubMed 25675413; PubMed 26061163; PubMed 27365499; PubMed 29555955.

NM_000322.5(PRPH2):c.450T>A (p.Cys150Ter)

Gene: PRPH2 (peripherin 2; minus strand). Cytogenetic location: 6p21.1.
Variant type: single nucleotide variant.
Coding change: c.450T>A on transcript NM_000322.5 (MANE Select); coding-DNA position 450, T replaced by A.
Protein change: p.Cys150Ter; replaces cysteine 150 with a stop codon.
Molecular consequence: nonsense.
Genome position (GRCh38, 1-based): chr6:42,721,885, A>T on the plus strand (T>A on the coding strand, the complement: PRPH2 is on the minus strand). VCF-style: chr6-42721885-A-T. GRCh37 (hg19) VCF-style: chr6-42689623-A-T.
Other names: short protein forms C150*.
Identifiers: ClinVar variation 965234 (VCV000965234.7), dbSNP rs1761908800, ClinGen allele CA364137534.